The following is an entry in ClinVar:

ClinVar aggregate classification (germline): Uncertain significance. Review status: criteria provided, multiple submitters, no conflicts (2 of 4 stars). 3 submissions from 3 submitters: Uncertain significance (3). Last evaluated 2022-09-07.

Conditions:
Inborn genetic diseases. Identifiers: MedGen C0950123, MeSH D030342.
Fraser syndrome 2 (FRASRS2). Identifiers: MedGen C4540036, MONDO:0054738, OMIM 617666.

Allele frequency attached by ClinVar (database versions not stated): gnomAD 0.00003 and 0.00004; gnomAD exomes 0.00003 and 0.00004; TOPMed 0.00003; ExAC 0.00006; ESP Exome Variant Server 0.00008; 1000 Genomes Project 30x 0.00016; 1000 Genomes Project 0.00020.
gnomAD v4.1: 59 of 1,613,656 alleles (0.0037%); highest among the groups gnomAD compares: Middle Eastern, 0.033%; no homozygotes.

Submissions (3):

Labcorp Genetics (formerly Invitae), Labcorp
Classification: Uncertain significance. Last evaluated: 2022-09-07. Review status: criteria provided, single submitter. Criteria: Invitae Variant Classification Sherloc (09022015). Collection method: clinical testing. Allele origin: germline.
Comment: This sequence change replaces arginine, which is basic and polar, with glutamine, which is neutral and polar, at codon 736 of the FREM2 protein (p.Arg736Gln). This variant is present in population databases (rs201173265, gnomAD 0.01%). This variant has not been reported in the literature in individuals affected with FREM2-related conditions. ClinVar contains an entry for this variant (Variation ID: 882325). Algorithms developed to predict the effect of missense changes on protein structure and function are either unavailable or do not agree on the potential impact of this missense change (SIFT: "Deleterious"; PolyPhen-2: "Benign"; Align-GVGD: "Class C0"). In summary, the available evidence is currently insufficient to determine the role of this variant in disease. Therefore, it has been classified as a Variant of Uncertain Significance.

Ambry Genetics
Classification: Uncertain significance for Inborn genetic diseases. Last evaluated: 2021-10-22. Review status: criteria provided, single submitter. Criteria: Ambry Variant Classification Scheme 2023. Collection method: clinical testing. Allele origin: germline.

Illumina Laboratory Services, Illumina
Classification: Uncertain significance for Fraser syndrome 2. Last evaluated: 2018-01-13. Review status: criteria provided, single submitter. Criteria: ICSL Variant Classification Criteria 13 December 2019. Collection method: clinical testing. Allele origin: germline.

NM_207361.6(FREM2):c.2207G>A (p.Arg736Gln)

Gene: FREM2 (FRAS1 related extracellular matrix 2; plus strand). Cytogenetic location: 13q13.3.
Variant type: single nucleotide variant.
Coding change: c.2207G>A on transcript NM_207361.6 (MANE Select); coding-DNA position 2207, G replaced by A.
Protein change: p.Arg736Gln; replaces arginine 736 with glutamine.
Molecular consequence: missense variant.
Genome position (GRCh38, 1-based): chr13:38,689,551, G>A. VCF-style: chr13-38689551-G-A. GRCh37 (hg19) VCF-style: chr13-39263688-G-A.
Other names: short protein forms R736Q.
Identifiers: ClinVar variation 882325 (VCV000882325.6), dbSNP rs201173265, ClinGen allele CA6954565.